The following is an entry in ClinVar:

ClinVar aggregate classification (germline): Uncertain significance (1 of 4 stars; one submission).

Submission:

Labcorp Genetics (formerly Invitae), Labcorp
Classification: Uncertain significance. Last evaluated: 2022-11-23. Review status: criteria provided, single submitter. Criteria: Invitae Variant Classification Sherloc (09022015). Collection method: clinical testing. Allele origin: germline.
Comment: This sequence change replaces serine, which is neutral and polar, with alanine, which is neutral and non-polar, at codon 1532 of the COL4A1 protein (p.Ser1532Ala). This variant is not present in population databases (gnomAD no frequency). This variant has not been reported in the literature in individuals affected with COL4A1-related conditions. Algorithms developed to predict the effect of missense changes on protein structure and function are either unavailable or do not agree on the potential impact of this missense change (SIFT: "Deleterious"; PolyPhen-2: "Not Available"; Align-GVGD: "Class C0"). In summary, the available evidence is currently insufficient to determine the role of this variant in disease. Therefore, it has been classified as a Variant of Uncertain Significance.

NM_001845.6(COL4A1):c.4594T>G (p.Ser1532Ala)

Gene: COL4A1 (collagen type IV alpha 1 chain; minus strand). Cytogenetic location: 13q34.
Variant type: single nucleotide variant.
Coding change: c.4594T>G on transcript NM_001845.6 (MANE Select); coding-DNA position 4594, T replaced by G.
Protein change: p.Ser1532Ala; replaces serine 1532 with alanine.
Molecular consequence: missense variant.
Genome position (GRCh38, 1-based): chr13:110,161,238, A>C on the plus strand (T>G on the coding strand, the complement: COL4A1 is on the minus strand). VCF-style: chr13-110161238-A-C. GRCh37 (hg19) VCF-style: chr13-110813585-A-C.
Other names: short protein forms S1532A.
Identifiers: ClinVar variation 2815893 (VCV002815893.3), dbSNP rs2501734852, ClinGen allele CA388657154.